The following is an entry in ClinVar:

ClinVar aggregate classification (germline): Likely benign (1 of 4 stars; one submission).

Submission:

CeGaT Center for Human Genetics Tuebingen
Classification: Likely benign. Last evaluated: 2024-09-01. Review status: criteria provided, single submitter. Criteria: CeGaT Center For Human Genetics Tuebingen Variant Classification Criteria Version 2. Collection method: clinical testing. Allele origin: germline. Affected: yes. Observed: 2 variant alleles.
Comment: FMN2: BP4, BP7

NM_020066.5(FMN2):c.3075A>T (p.Leu1025=)

Gene: FMN2 (formin 2; plus strand). Cytogenetic location: 1q43.
Variant type: single nucleotide variant.
Coding change: c.3075A>T on transcript NM_020066.5 (MANE Select); coding-DNA position 3075, A replaced by T.
Protein change: p.Leu1025=; no amino-acid change (leucine 1025 retained).
Molecular consequence: synonymous variant. On other transcripts: intron variant (1).
Genome position (GRCh38, 1-based): chr1:240,207,887, A>T. VCF-style: chr1-240207887-A-T. GRCh37 (hg19) VCF-style: chr1-240371187-A-T.
Other names: c.3087A>T, p.Leu1029= (NM_001305424.2); c.1986+19625A>T (NM_001348094.2).
Identifiers: ClinVar variation 2640160 (VCV002640160.24), dbSNP rs71646893, ClinGen allele CA39905948.